The following is an entry in ClinVar:

ClinVar aggregate classification (germline): Conflicting classifications of pathogenicity. Review status: criteria provided, conflicting classifications (1 of 4 stars). 6 submissions from 6 submitters: Likely risk allele (1); Benign (4); Likely benign (1). Last evaluated 2025-12-25.

Conditions:
Maturity-onset diabetes of the young type 11. Identifiers: Orphanet 552, MedGen C3150618, MONDO:0013242, OMIM 613375.
Systemic lupus erythematosus (SLE). Identifiers: Orphanet 536, MedGen C0024141, MONDO:0007915, OMIM 152700, HP:0002725.

Allele frequency attached by ClinVar (database versions not stated): gnomAD 0.00004 and 0.00072; TOPMed 0.00010; gnomAD exomes 0.00123 and 0.00248; ExAC 0.00290; 1000 Genomes Project 30x 0.00468; 1000 Genomes Project 0.00519.
gnomAD v4.1: 1,921 of 1,614,164 alleles (0.12%); highest among the groups gnomAD compares: South Asian, 2%; 35 homozygotes.

Submissions (6):

Labcorp Genetics (formerly Invitae), Labcorp
Classification: Benign. Last evaluated: 2025-12-25. Review status: criteria provided, single submitter. Criteria: Invitae Variant Classification Sherloc (09022015). Collection method: clinical testing. Allele origin: germline.

ARUP Laboratories, Molecular Genetics and Genomics, ARUP Laboratories
Classification: Benign for Maturity-onset diabetes of the young type 11. Last evaluated: 2023-08-08. Review status: criteria provided, single submitter. Criteria: ARUP Molecular Germline Variant Investigation Process 2024. Collection method: clinical testing. Allele origin: germline.

GeneDx
Classification: Likely benign. Last evaluated: 2021-08-31. Review status: criteria provided, single submitter. Criteria: GeneDx Variant Classification Process June 2021. Collection method: clinical testing. Allele origin: germline. Affected: yes.

Fulgent Genetics
Classification: Benign for Maturity-onset diabetes of the young type 11. Last evaluated: 2021-08-20. Review status: criteria provided, single submitter. Criteria: ACMG Guidelines, 2015. Collection method: clinical testing. Allele origin: unknown.

Illumina Laboratory Services, Illumina
Classification: Benign for Maturity-onset diabetes of the young type 11. Last evaluated: 2018-01-13. Review status: criteria provided, single submitter. Criteria: ICSL Variant Classification Criteria 13 December 2019. Collection method: clinical testing. Allele origin: germline.
Comment: This variant was observed in the ICSL laboratory as part of a predisposition screen in an ostensibly healthy population. It had not been previously curated by ICSL or reported in the Human Gene Mutation Database (HGMD: prior to June 1st, 2018), and was therefore a candidate for classification through an automated scoring system. Utilizing variant allele frequency, disease prevalence and penetrance estimates, and inheritance mode, an automated score was calculated to assess if this variant is too frequent to cause the disease. Based on the score and internal cut-off values, a variant classified as benign is not then subjected to further curation. The score for this variant resulted in a classification of benign for this disease.

Clinical Genomics, Uppaluri K&H Personalized Medicine Clinic
Classification: Likely risk allele for Systemic lupus erythematosus. Review status: criteria provided, single submitter. Criteria: K & H Uppaluri Personalized Medicine Clinic Variant Classification & Assertion Criteria_Updated V.1. Collection method: research. Allele origin: unknown.
Comment: BLK gene is associated with Systemic lupus erythematosus, sjogren's syndrome and other systemic inflammatory conditions. However no sufficient evidence is found to ascertain the role of this particular variant rs201252364, yet.

Literature cited by the submitters: PubMed 32313195 (cited by Clinical Genomics, Uppaluri K&H Personalized Medicine Clinic); PubMed 19667185 (cited by Clinical Genomics, Uppaluri K&H Personalized Medicine Clinic); PubMed 18204098 (cited by Clinical Genomics, Uppaluri K&H Personalized Medicine Clinic); PubMed 24023612 (cited by Clinical Genomics, Uppaluri K&H Personalized Medicine Clinic); PubMed 31670388 (cited by Clinical Genomics, Uppaluri K&H Personalized Medicine Clinic).

NM_001715.3(BLK):c.672C>T (p.Ala224=)

Genes: BLK-AS1 (BLK antisense RNA 1), BLK (BLK proto-oncogene, Src family tyrosine kinase). Cytogenetic location: 8p23.1.
Variant type: single nucleotide variant.
Coding change: c.672C>T on transcript NM_001715.3 (MANE Select); coding-DNA position 672, C replaced by T.
Protein change: p.Ala224=; no amino-acid change (alanine 224 retained).
Molecular consequence: synonymous variant.
Genome position (GRCh38, 1-based): chr8:11,555,384, C>T. VCF-style: chr8-11555384-C-T. GRCh37 (hg19) VCF-style: chr8-11412893-C-T.
Other names: c.459C>T, p.Ala153= (NM_001330465.2).
Identifiers: ClinVar variation 361484 (VCV000361484.16), dbSNP rs201252364, ClinGen allele CA4630031.